The following is an entry in ClinVar:

ClinVar aggregate classification (germline): Uncertain significance (1 of 4 stars; one submission).

Conditions:
Epileptic encephalopathy. Identifiers: MedGen C0543888, HP:0200134.

Submission:

Labcorp Genetics (formerly Invitae), Labcorp
Classification: Uncertain significance for Epileptic encephalopathy. Last evaluated: 2026-01-21. Review status: criteria provided, single submitter. Criteria: Invitae Variant Classification Sherloc (09022015). Collection method: clinical testing. Allele origin: germline.
Comment: This sequence change replaces serine, which is neutral and polar, with phenylalanine, which is neutral and non-polar, at codon 523 of the FASN protein (p.Ser523Phe). This variant is not present in population databases (gnomAD no frequency). This variant has not been reported in the literature in individuals affected with FASN-related conditions. ClinVar contains an entry for this variant (Variation ID: 462007). An algorithm developed to predict the effect of missense changes on protein structure and function (PolyPhen-2) suggests that this variant is likely to be disruptive. In summary, the available evidence is currently insufficient to determine the role of this variant in disease. Therefore, it has been classified as a Variant of Uncertain Significance.

NM_004104.5(FASN):c.1568C>T (p.Ser523Phe)

Gene: FASN (fatty acid synthase; minus strand). Cytogenetic location: 17q25.3.
Variant type: single nucleotide variant.
Coding change: c.1568C>T on transcript NM_004104.5 (MANE Select); coding-DNA position 1568, C replaced by T.
Protein change: p.Ser523Phe; replaces serine 523 with phenylalanine.
Molecular consequence: missense variant.
Genome position (GRCh38, 1-based): chr17:82,090,994, G>A on the plus strand (C>T on the coding strand, the complement: FASN is on the minus strand). VCF-style: chr17-82090994-G-A. GRCh37 (hg19) VCF-style: chr17-80048870-G-A.
Other names: short protein forms S523F.
Identifiers: ClinVar variation 462007 (VCV000462007.10), dbSNP rs1555668714, ClinGen allele CA401560172.